The following is an entry in ClinVar:

ClinVar aggregate classification (germline): Likely benign (1 of 4 stars; one submission).

Conditions:
SEMA3A-related disorder. Also called: SEMA3A-related condition.

gnomAD v4.1: 1 of 1,542,656 alleles (0.000065%); highest among the groups gnomAD compares: Non-Finnish European, 0.000087%; no homozygotes.

Submission:

PreventionGenetics, part of Exact Sciences
Classification: Likely benign for SEMA3A-related condition. Last evaluated: 2025-05-27. Review status: criteria provided, single submitter. Criteria: ACMG Guidelines, 2015. Collection method: clinical testing. Allele origin: germline.
Comment: This variant is classified as likely benign based on ACMG/AMP sequence variant interpretation guidelines (Richards et al. 2015 PMID: 25741868, with internal and published modifications).

NM_006080.3(SEMA3A):c.454-6C>T

Gene: SEMA3A (semaphorin 3A; minus strand). Cytogenetic location: 7q21.11.
Variant type: single nucleotide variant.
Coding change: c.454-6C>T on transcript NM_006080.3 (MANE Select); 6 bases into the intron before coding-DNA position 454, C replaced by T.
Molecular consequence: intron variant.
Genome position (GRCh38, 1-based): chr7:84,060,564, G>A on the plus strand (C>T on the coding strand, the complement: SEMA3A is on the minus strand). VCF-style: chr7-84060564-G-A. GRCh37 (hg19) VCF-style: chr7-83689880-G-A.
Identifiers: ClinVar variation 4988215 (VCV004988215.1).
Genomic context (GRCh38, chr7:84,060,564, plus strand): 5'-GACTCTTCCCACGGCCGTTTTCAAAATGTGAGTTCTCCAGCTTAAAAATATTGTCCTGTG[G>A]ATTTAAAAAAGAAAGAGAAAAGGGTTTCCTTTATATATAAAAATGAGTGTTTTCAACACA-3'